The following is an entry in ClinVar:

NM_001135659.3:c.931+610_931+31362del

Gene: NRXN1 (neurexin 1; minus strand).
Variant type: Deletion.
Other names: c.931+610_931+31362del (NM_001135659.3).
Identifiers: ClinVar variation 4853439 (VCV004853439.1).

ClinVar aggregate classification (germline): Uncertain significance (1 of 4 stars; one submission).

Submission:

Women's Health and Genetics/Laboratory Corporation of America, LabCorp
Classification: Uncertain significance. Last evaluated: 2026-05-27. Review status: criteria provided, single submitter. Criteria: LabCorp Variant Classification Summary - May 2015. Collection method: clinical testing. Allele origin: germline.
Comment: Variant summary: NRXN1 c.931+610_931+31362del is located at a position not widely known to affect splicing. The variant involves a ~30.7 kb deletion within the 5' part of intron 6 (aka. intron 5) of NM_001135659.3 which is a large ~298.2 kb intron. The variant was absent in the gnomAD database, however numerous deletions were found within this intron, including multiple overlapping deletions, e.g. a smaller, overlapping deletion was found at a frequency of 5.8e-05 in 119664 control chromosomes (i.e. in 7 carriers) in the gnomAD database (Structural Variants v4.1 dataset). The occurrence of several large deletions in this intron suggests that similar deletions in heterozygous state are in general not associated with a highly penetrant, early onset severe disease phenotype. To our knowledge, no occurrence of c.931+610_931+31362del in individuals affected with NRXN1-related conditions and no experimental evidence demonstrating its impact on protein function have been reported. On the other hand, multiple studies reported deletions within this large intron in heterozygous individuals with various neurocognitive phenotypes (e.g. PMIDs 23472757, 25408897, 30105822, 31932357, 38610832, 41094379), and one of these studies concluded that intron 5 deletions in general are common and not likely to be clinically significant (PMID 31932357). No submitters have cited clinical-significance assessments for this variant to ClinVar. Based on the evidence outlined above, the variant was classified as uncertain significance.